The following is an entry in ClinVar:

NM_007186.6(CEP250):c.4981A>G (p.Met1661Val)

Gene: CEP250 (centrosomal protein 250; plus strand). Cytogenetic location: 20q11.22.
Variant type: single nucleotide variant.
Coding change: c.4981A>G on transcript NM_007186.6 (MANE Select); coding-DNA position 4981, A replaced by G.
Protein change: p.Met1661Val; replaces methionine 1661 with valine.
Molecular consequence: missense variant.
Genome position (GRCh38, 1-based): chr20:35,503,350, A>G. VCF-style: chr20-35503350-A-G. GRCh37 (hg19) VCF-style: chr20-34091178-A-G.
Other names: c.3085A>G, p.Met1029Val (NM_001318219.1); short protein forms M1661V, M1029V.
Identifiers: ClinVar variation 2167479 (VCV002167479.2), dbSNP rs746877062, ClinGen allele CA314160302.
Genomic context (GRCh38, chr20:35,503,350, plus strand): 5'-GAGCTGCAGAGGCAGAAAGAGCATCTGACTCAGGATCTCGAGAGGAGAGACCAGGAGCTG[A>G]TGCTGCAGAAGGAGAGGATTCAGGTTCTCGAGGATCAGAGGACCCGGCAGACCAAGATCC-3'
Protein context (NP_009117.2, residues 1651-1671): QDLERRDQEL[Met1661Val]LQKERIQVLE

ClinVar aggregate classification (germline): Uncertain significance (1 of 4 stars; one submission).

Allele frequency attached by ClinVar (database versions not stated): TOPMed below 0.00001.

Submission:

Labcorp Genetics (formerly Invitae), Labcorp
Classification: Uncertain significance. Last evaluated: 2022-08-20. Review status: criteria provided, single submitter. Criteria: Invitae Variant Classification Sherloc (09022015). Collection method: clinical testing. Allele origin: germline.
Comment: In summary, the available evidence is currently insufficient to determine the role of this variant in disease. Therefore, it has been classified as a Variant of Uncertain Significance. Algorithms developed to predict the effect of missense changes on protein structure and function output the following: SIFT: "Not Available"; PolyPhen-2: "Benign"; Align-GVGD: "Not Available". The valine amino acid residue is found in multiple mammalian species, which suggests that this missense change does not adversely affect protein function. This variant has not been reported in the literature in individuals affected with CEP250-related conditions. This variant is not present in population databases (gnomAD no frequency). This sequence change replaces methionine, which is neutral and non-polar, with valine, which is neutral and non-polar, at codon 1661 of the CEP250 protein (p.Met1661Val).